The following is an entry in ClinVar:

ClinVar aggregate classification (germline): Pathogenic (1 of 4 stars; one submission).

Conditions:
Ichthyosis linearis circumflexa. Identifiers: MedGen C0265962, MONDO:0043106, HP:0025810.

Submission:

Labcorp Genetics (formerly Invitae), Labcorp
Classification: Pathogenic for Ichthyosis linearis circumflexa. Last evaluated: 2020-10-18. Review status: criteria provided, single submitter. Criteria: Invitae Variant Classification Sherloc (09022015). Collection method: clinical testing. Allele origin: germline.
Comment: For these reasons, this variant has been classified as Pathogenic. Loss-of-function variants in SPINK5 are known to be pathogenic (PMID: 11511292, 11841556). This variant has not been reported in the literature in individuals with SPINK5-related conditions. This variant is not present in population databases (ExAC no frequency). This sequence change creates a premature translational stop signal (p.Lys680Glufs*29) in the SPINK5 gene. It is expected to result in an absent or disrupted protein product.

Literature cited by the submitters: PubMed 11511292; PubMed 11841556.

NM_006846.4(SPINK5):c.2038_2039del (p.Lys680fs)

Gene: SPINK5 (serine peptidase inhibitor Kazal type 5; plus strand). Cytogenetic location: 5q32.
Variant type: Deletion.
Coding change: c.2038_2039del on transcript NM_006846.4 (MANE Select); coding-DNA positions 2038 to 2039, 2 bases deleted (AA; older notation c.2038_2039delAA).
Protein change: p.Lys680fs; shifts the reading frame from lysine 680.
Molecular consequence: frameshift variant.
Genome position (GRCh38, 1-based): chr5:148,116,392-148,116,393, AA deleted; deleting any 2 consecutive bases within chr5:148,116,391-148,116,393 gives the same sequence; the c. name uses the placement nearest the transcript's 3' end. VCF-style (leftmost placement, unchanged base first): chr5-148116390-GAA-G. GRCh37 (hg19) VCF-style: chr5-147495953-GAA-G.
Other names: c.2038_2039del, p.Lys680fs (NM_001127698.2, NM_001127699.2); short protein forms K680fs.
Identifiers: ClinVar variation 1072025 (VCV001072025.8), dbSNP rs2113177526, ClinGen allele CA2499217716.